The following is an entry in ClinVar:

ClinVar aggregate classification (germline): Likely benign (1 of 4 stars; one submission).

Allele frequency attached by ClinVar (database versions not stated): gnomAD 0.00001; gnomAD exomes 0.00001.
gnomAD v4.1: 4 of 1,420,888 alleles (0.00028%); highest among the groups gnomAD compares: Non-Finnish European, 0.00037%; no homozygotes.

Submission:

CeGaT Center for Human Genetics Tuebingen
Classification: Likely benign. Last evaluated: 2022-11-01. Review status: criteria provided, single submitter. Criteria: CeGaT Center For Human Genetics Tuebingen Variant Classification Criteria Version 2. Collection method: clinical testing. Allele origin: germline. Affected: yes. Observed: 1 variant allele.
Comment: TNRC18: BP4, BP7

NM_001080495.3(TNRC18):c.2952C>T (p.Gly984=)

Gene: TNRC18 (trinucleotide repeat containing 18; minus strand). Cytogenetic location: 7p22.1.
Variant type: single nucleotide variant.
Coding change: c.2952C>T on transcript NM_001080495.3 (MANE Select); coding-DNA position 2952, C replaced by T.
Protein change: p.Gly984=; no amino-acid change (glycine 984 retained).
Molecular consequence: synonymous variant.
Genome position (GRCh38, 1-based): chr7:5,374,332, G>A on the plus strand (C>T on the coding strand, the complement: TNRC18 is on the minus strand). VCF-style: chr7-5374332-G-A. GRCh37 (hg19) VCF-style: chr7-5413963-G-A.
Identifiers: ClinVar variation 2657281 (VCV002657281.24), dbSNP rs1794433062, ClinGen allele CA453636614.